The following is an entry in ClinVar:

NM_001100913.3(PACS2):c.2318C>T (p.Ala773Val)

Gene: PACS2 (phosphofurin acidic cluster sorting protein 2; plus strand). Cytogenetic location: 14q32.33.
Variant type: single nucleotide variant.
Coding change: c.2318C>T on transcript NM_001100913.3 (MANE Select); coding-DNA position 2318, C replaced by T.
Protein change: p.Ala773Val; replaces alanine 773 with valine.
Molecular consequence: missense variant.
Genome position (GRCh38, 1-based): chr14:105,392,681, C>T. VCF-style: chr14-105392681-C-T. GRCh37 (hg19) VCF-style: chr14-105859018-C-T.
Other names: c.2048C>T, p.Ala683Val (NM_001243127.3); c.2273C>T, p.Ala758Val (NM_015197.4); c.2318C>T (NM_001100913.2); short protein forms A683V, A758V, A773V.
Identifiers: ClinVar variation 1170514 (VCV001170514.34), dbSNP rs587631980, ClinGen allele CA7389243.

ClinVar aggregate classification (germline): Benign/Likely benign. Review status: criteria provided, multiple submitters, no conflicts (2 of 4 stars). 3 submissions from 3 submitters: Benign (1); Likely benign (1). 1 of the submissions does not count toward it. Last evaluated 2026-07-01.

Conditions:
PACS2-related disorder. Also called: PACS2-related condition.

Allele frequency attached by ClinVar (database versions not stated): gnomAD 0.00006 and 0.00025; TOPMed 0.00007; 1000 Genomes Project 30x 0.00016; 1000 Genomes Project 0.00020; gnomAD exomes 0.00045 and 0.00082; ExAC 0.00114.
gnomAD v4.1: 691 of 1,612,484 alleles (0.043%); highest among the groups gnomAD compares: South Asian, 0.58%; 6 homozygotes.

Submissions (3):

CeGaT Center for Human Genetics Tuebingen
Classification: Likely benign. Last evaluated: 2026-07-01. Review status: criteria provided, single submitter. Criteria: CeGaT Center For Human Genetics Tuebingen Variant Classification Criteria Version 2. Collection method: clinical testing. Allele origin: germline. Affected: yes. Observed: 6 variant alleles.
Comment: PACS2: BP4, BS2

Labcorp Genetics (formerly Invitae), Labcorp
Classification: Benign. Last evaluated: 2025-10-16. Review status: criteria provided, single submitter. Criteria: Invitae Variant Classification Sherloc (09022015). Collection method: clinical testing. Allele origin: germline.

PreventionGenetics, part of Exact Sciences
Classification: Likely benign for PACS2-related condition. Last evaluated: 2022-12-21. Review status: no assertion criteria provided. Collection method: clinical testing. Allele origin: germline. Not counted in ClinVar's aggregate classification.
Comment: This variant is classified as likely benign based on ACMG/AMP sequence variant interpretation guidelines (Richards et al. 2015 PMID: 25741868, with internal and published modifications).